The following is an entry in ClinVar:

NM_003001.5(SDHC):c.425del (p.Gly142fs)

Gene: SDHC (succinate dehydrogenase complex subunit C; plus strand). Cytogenetic location: 1q23.3.
Variant type: Deletion.
Coding change: c.425del on transcript NM_003001.5 (MANE Select); coding-DNA position 425, one base deleted (G; older notation c.425delG).
Protein change: p.Gly142fs; shifts the reading frame from glycine 142.
Molecular consequence: frameshift variant. On other transcripts: non-coding transcript variant (1).
Genome position (GRCh38, 1-based): chr1:161,362,348, G deleted; the last of 2 consecutive G bases (chr1:161,362,347-161,362,348); deleting either gives the same sequence. VCF-style (leftmost placement, unchanged base first): chr1-161362346-AG-A. GRCh37 (hg19) VCF-style: chr1-161332136-AG-A.
Other names: c.261del, p.Arg87fs (NM_001035511.3); c.323del, p.Gly108fs (NM_001035512.3); c.266del, p.Gly89fs (NM_001035513.3); c.159del, p.Arg53fs (NM_001278172.3); c.545del, p.Gly182fs (NM_001407115.1); c.368del, p.Gly123fs (NM_001407116.1); c.362del, p.Gly121fs (NM_001407117.1); c.317del, p.Gly106fs (NM_001407118.1); and 2 more; short protein forms G105fs, G123fs, R53fs, G106fs, G121fs, G108fs, G142fs, G182fs.
Identifiers: ClinVar variation 4785232 (VCV004785232.1).

ClinVar aggregate classification (germline): Uncertain significance (1 of 4 stars; one submission).

Conditions:
Pheochromocytoma/paraganglioma syndrome 3. Also called: GLOMUS TUMORS, FAMILIAL, 3; Paragangliomas 3; SDHC-Related Hereditary Paraganglioma-Pheochromocytoma Syndrome (Paragangliomas 3); SDHC-Related Hereditary Paraganglioma-Pheochromocytoma Syndrome. Identifiers: Orphanet 29072, MedGen C1854336, MONDO:0011544, OMIM 605373.
Gastrointestinal stromal tumor. Also called: Gastrointestinal stroma tumor; Gastrointestinal stromal tumor, somatic. Identifiers: Orphanet 44890, MedGen C0238198, MeSH D046152, MONDO:0011719, OMIM 606764, HP:0100723.

Submission:

Labcorp Genetics (formerly Invitae), Labcorp
Classification: Uncertain significance for Pheochromocytoma/paraganglioma syndrome 3; Gastrointestinal stromal tumor. Last evaluated: 2025-06-09. Review status: criteria provided, single submitter. Criteria: Invitae Variant Classification Sherloc (09022015). Collection method: clinical testing. Allele origin: germline.
Comment: This sequence change creates a premature translational stop signal (p.Gly142Alafs*2) in the SDHC gene. While this is not anticipated to result in nonsense mediated decay, it is expected to disrupt the last 28 amino acid(s) of the SDHC protein. This variant is not present in population databases (gnomAD no frequency). This variant has not been reported in the literature in individuals affected with SDHC-related conditions. Experimental studies and prediction algorithms are not available or were not evaluated, and the functional significance of this variant is currently unknown. In summary, the available evidence is currently insufficient to determine the role of this variant in disease. Therefore, it has been classified as a Variant of Uncertain Significance.